The following is an entry in ClinVar:

NM_032242.4(PLXNA1):c.1997+1G>A

Gene: PLXNA1 (plexin A1; plus strand). Cytogenetic location: 3q21.3.
Variant type: single nucleotide variant.
Coding change: c.1997+1G>A on transcript NM_032242.4 (MANE Select); the canonical splice donor site of the intron after coding-DNA position 1997, G replaced by A.
Molecular consequence: splice donor variant.
Genome position (GRCh38, 1-based): chr3:127,006,179, G>A. VCF-style: chr3-127006179-G-A. GRCh37 (hg19) VCF-style: chr3-126725022-G-A.
Identifiers: ClinVar variation 4818997 (VCV004818997.1).

ClinVar aggregate classification (germline): Likely pathogenic (1 of 4 stars; one submission).

Conditions:
Dworschak-Punetha neurodevelopmental syndrome (DWOPNED). Identifiers: MedGen C5677017, MONDO:0859260, OMIM 619955.

gnomAD v4.1: 1 of 1,612,188 alleles (0.000062%); highest among the groups gnomAD compares: African/African-American, 0.0013%; no homozygotes.

Submission:

Victorian Clinical Genetics Services, Murdoch Childrens Research Institute
Classification: Likely pathogenic for Dworschak-Punetha neurodevelopmental syndrome. Last evaluated: 2025-12-12. Review status: criteria provided, single submitter. Criteria: ACMG Guidelines, 2015. Collection method: clinical testing. Allele origin: germline. Affected: yes.
Comment: This variant is classified as Likely pathogenic. Evidence in support of pathogenic classification: Canonical splice site variant without proven consequence on splicing (no functional evidence available); Variant is present in gnomAD <0.01 for a recessive condition (v4: 1 heterozygote(s), 0 homozygote(s)); Abnormal splicing is predicted by in silico tool and affected nucleotide is highly conserved; Additional information: This variant is heterozygous; This gene is associated with autosomal recessive disease. An autosomal dominant disease has also been postulated, however there are currently limited reports and all reported variants were present in population databases (PMID: 34054129; 28464511); This variant has no previous evidence of pathogenicity; No published evidence of segregation with disease has been identified for this variant; No published functional evidence has been identified for this variant; No comparable splice site variants have previous evidence for pathogenicity; Loss of function is a known mechanism of disease in this gene and is associated with Dworschak-Punetha neurodevelopmental syndrome (MIM#619955).

Literature cited by the submitters: PubMed 34054129.